The following is an entry in ClinVar:

ClinVar aggregate classification (germline): Likely benign. Review status: criteria provided, multiple submitters, no conflicts (2 of 4 stars). 2 submissions from 2 submitters: Likely benign (2). Last evaluated 2023-02-01.

Allele frequency attached by ClinVar (database versions not stated): 1000 Genomes Project 30x 0.00031; 1000 Genomes Project 0.00040; ExAC 0.00053; gnomAD exomes 0.00053 and 0.00096; TOPMed 0.00060; ESP Exome Variant Server 0.00063; gnomAD 0.00066 and 0.00068.
gnomAD v4.1: 1,518 of 1,613,914 alleles (0.094%); highest among the groups gnomAD compares: Non-Finnish European, 0.12%; 1 homozygote.

Submissions (2):

CeGaT Center for Human Genetics Tuebingen
Classification: Likely benign. Last evaluated: 2023-02-01. Review status: criteria provided, single submitter. Criteria: CeGaT Center For Human Genetics Tuebingen Variant Classification Criteria Version 2. Collection method: clinical testing. Allele origin: germline. Affected: yes. Observed: 2 variant alleles.
Comment: TENM4: BP4, BP7, BS1

Labcorp Genetics (formerly Invitae), Labcorp
Classification: Likely benign. Last evaluated: 2018-12-20. Review status: criteria provided, single submitter. Criteria: Invitae Variant Classification Sherloc (09022015). Collection method: clinical testing. Allele origin: germline.

NM_001098816.3(TENM4):c.6354G>A (p.Glu2118=)

Gene: TENM4 (teneurin transmembrane protein 4; minus strand). Cytogenetic location: 11q14.1.
Variant type: single nucleotide variant.
Coding change: c.6354G>A on transcript NM_001098816.3 (MANE Select); coding-DNA position 6354, G replaced by A.
Protein change: p.Glu2118=; no amino-acid change (glutamic acid 2118 retained).
Molecular consequence: synonymous variant.
Genome position (GRCh38, 1-based): chr11:78,669,991, C>T on the plus strand (G>A on the coding strand, the complement: TENM4 is on the minus strand). VCF-style: chr11-78669991-C-T. GRCh37 (hg19) VCF-style: chr11-78381036-C-T.
Identifiers: ClinVar variation 784521 (VCV000784521.27), dbSNP rs201663167, ClinGen allele CA6206425.